The following is an entry in ClinVar:

ClinVar aggregate classification (germline): Pathogenic (1 of 4 stars; one submission).

Conditions:
Nephronophthisis-like nephropathy 1 (NPHPL1). Identifiers: Orphanet 655, MedGen C3150419, MONDO:0013163, OMIM 613159.

Allele frequency attached by ClinVar (database versions not stated): ExAC 0.00001; gnomAD exomes 0.00001.
gnomAD v4.1: 8 of 1,614,134 alleles (0.0005%); highest among the groups gnomAD compares: Non-Finnish European, 0.00068%; no homozygotes.

Submission:

Labcorp Genetics (formerly Invitae), Labcorp
Classification: Pathogenic for Nephronophthisis-like nephropathy 1. Last evaluated: 2024-01-29. Review status: criteria provided, single submitter. Criteria: Invitae Variant Classification Sherloc (09022015). Collection method: clinical testing. Allele origin: germline.
Comment: This sequence change creates a premature translational stop signal (p.Gln84*) in the XPNPEP3 gene. It is expected to result in an absent or disrupted protein product. Loss-of-function variants in XPNPEP3 are known to be pathogenic (PMID: 20179356). This variant is present in population databases (rs759863454, gnomAD 0.002%). This variant has not been reported in the literature in individuals affected with XPNPEP3-related conditions. For these reasons, this variant has been classified as Pathogenic.

Literature cited by the submitters: PubMed 20179356.

NM_022098.4(XPNPEP3):c.250C>T (p.Gln84Ter)

Gene: XPNPEP3 (X-prolyl aminopeptidase 3; plus strand). Cytogenetic location: 22q13.2.
Variant type: single nucleotide variant.
Coding change: c.250C>T on transcript NM_022098.4 (MANE Select); coding-DNA position 250, C replaced by T.
Protein change: p.Gln84Ter; replaces glutamine 84 with a stop codon.
Molecular consequence: nonsense.
Genome position (GRCh38, 1-based): chr22:40,881,838, C>T. VCF-style: chr22-40881838-C-T. GRCh37 (hg19) VCF-style: chr22-41277842-C-T.
Other names: short protein forms Q84*.
Identifiers: ClinVar variation 2886078 (VCV002886078.3), dbSNP rs759863454, ClinGen allele CA10251608.